The following is an entry in ClinVar:

NM_139057.4(ADAMTS17):c.679C>T (p.Arg227Trp)

Gene: ADAMTS17 (ADAM metallopeptidase with thrombospondin type 1 motif 17; minus strand). Cytogenetic location: 15q26.3.
Variant type: single nucleotide variant.
Coding change: c.679C>T on transcript NM_139057.4 (MANE Select); coding-DNA position 679, C replaced by T.
Protein change: p.Arg227Trp; replaces arginine 227 with tryptophan.
Molecular consequence: missense variant.
Genome position (GRCh38, 1-based): chr15:100,281,339, G>A on the plus strand (C>T on the coding strand, the complement: ADAMTS17 is on the minus strand). VCF-style: chr15-100281339-G-A. GRCh37 (hg19) VCF-style: chr15-100821544-G-A.
Other names: short protein forms R227W.
Identifiers: ClinVar variation 1924877 (VCV001924877.2), dbSNP rs753109974, ClinGen allele CA7758616.

ClinVar aggregate classification (germline): Uncertain significance (1 of 4 stars; one submission).

Allele frequency attached by ClinVar (database versions not stated): ExAC 0.00001; TOPMed 0.00002; gnomAD exomes 0.00003; gnomAD 0.00005.

Submission:

Labcorp Genetics (formerly Invitae), Labcorp
Classification: Uncertain significance. Last evaluated: 2022-08-19. Review status: criteria provided, single submitter. Criteria: Invitae Variant Classification Sherloc (09022015). Collection method: clinical testing. Allele origin: germline.
Comment: This sequence change replaces arginine, which is basic and polar, with tryptophan, which is neutral and slightly polar, at codon 227 of the ADAMTS17 protein (p.Arg227Trp). This variant is present in population databases (rs753109974, gnomAD 0.01%). This variant has not been reported in the literature in individuals affected with ADAMTS17-related conditions. Algorithms developed to predict the effect of missense changes on protein structure and function are either unavailable or do not agree on the potential impact of this missense change (SIFT: "Not Available"; PolyPhen-2: "Possibly Damaging"; Align-GVGD: "Not Available"). In summary, the available evidence is currently insufficient to determine the role of this variant in disease. Therefore, it has been classified as a Variant of Uncertain Significance.